The following is an entry in ClinVar:

NM_001041.4(SI):c.8G>T (p.Arg3Ile)

Gene: SI (sucrase-isomaltase; minus strand). Cytogenetic location: 3q26.1.
Variant type: single nucleotide variant.
Coding change: c.8G>T on transcript NM_001041.4 (MANE Select); coding-DNA position 8, G replaced by T.
Protein change: p.Arg3Ile; replaces arginine 3 with isoleucine.
Molecular consequence: missense variant.
Genome position (GRCh38, 1-based): chr3:165,076,005, C>A on the plus strand (G>T on the coding strand, the complement: SI is on the minus strand). VCF-style: chr3-165076005-C-A. GRCh37 (hg19) VCF-style: chr3-164793793-C-A.
Other names: short protein forms R3I.
Identifiers: ClinVar variation 2598581 (VCV002598581.5), dbSNP rs766454276, ClinGen allele CA2691660.

ClinVar aggregate classification (germline): Uncertain significance. Review status: criteria provided, multiple submitters, no conflicts (2 of 4 stars). 3 submissions from 3 submitters: Uncertain significance (2). 1 of the submissions does not count toward it. Last evaluated 2024-03-09.

Conditions:
SI-related disorder. Also called: SI-related condition.
Inborn genetic diseases. Identifiers: MedGen C0950123, MeSH D030342.
Sucrase-isomaltase deficiency (CSID). Also called: SI DEFICIENCY; Deficiency of isomaltase; Congenital sucrose isomaltose malabsorption; Sucrose isomaltose enzyme deficiency. Identifiers: Orphanet 35122, MedGen C1283620, MONDO:0009114, OMIM 222900.

Allele frequency attached by ClinVar (database versions not stated): TOPMed below 0.00001; gnomAD 0.00008; gnomAD exomes 0.00010; ExAC 0.00024.
gnomAD v4.1: 159 of 1,575,942 alleles (0.01%); highest among the groups gnomAD compares: South Asian, 0.18%; no homozygotes.

Submissions (3):

Fulgent Genetics
Classification: Uncertain significance for Sucrase-isomaltase deficiency. Last evaluated: 2024-03-09. Review status: criteria provided, single submitter. Criteria: ACMG Guidelines, 2015. Collection method: clinical testing. Allele origin: germline.

Ambry Genetics
Classification: Uncertain significance for Inborn genetic diseases. Last evaluated: 2023-07-12. Review status: criteria provided, single submitter. Criteria: Ambry Variant Classification Scheme 2023. Collection method: clinical testing. Allele origin: germline.

PreventionGenetics, part of Exact Sciences
Classification: Likely benign for SI-related condition. Last evaluated: 2023-03-14. Review status: no assertion criteria provided. Collection method: clinical testing. Allele origin: germline. Not counted in ClinVar's aggregate classification.
Comment: This variant is classified as likely benign based on ACMG/AMP sequence variant interpretation guidelines (Richards et al. 2015 PMID: 25741868, with internal and published modifications).